The following is an entry in ClinVar:

NM_002206.3(ITGA7):c.3222C>T (p.Thr1074=)

Gene: ITGA7 (integrin subunit alpha 7; minus strand). Cytogenetic location: 12q13.2.
Variant type: single nucleotide variant.
Coding change: c.3222C>T on transcript NM_002206.3 (MANE Select); coding-DNA position 3222, C replaced by T.
Protein change: p.Thr1074=; no amino-acid change (threonine 1074 retained).
Molecular consequence: synonymous variant.
Genome position (GRCh38, 1-based): chr12:55,685,250, G>A on the plus strand (C>T on the coding strand, the complement: ITGA7 is on the minus strand). VCF-style: chr12-55685250-G-A. GRCh37 (hg19) VCF-style: chr12-56079034-G-A.
Other names: c.3234C>T, p.Thr1078= (NM_001144996.2); c.2943C>T, p.Thr981= (NM_001144997.2); c.2895C>T, p.Thr965= (NM_001367993.1); c.1878C>T, p.Thr626= (NM_001367994.1); c.3204C>T, p.Thr1068= (NM_001374465.1); c.3354C>T, p.Thr1118= (NM_001410977.1); c.3216C>T, p.Thr1072= (NM_001414029.1); c.3147C>T, p.Thr1049= (NM_001414030.1); and 5 more.
Identifiers: ClinVar variation 1146386 (VCV001146386.10), dbSNP rs768717588, ClinGen allele CA6615266.

ClinVar aggregate classification (germline): Likely benign. Review status: criteria provided, multiple submitters, no conflicts (2 of 4 stars). 2 submissions from 2 submitters: Likely benign (2). Last evaluated 2026-07-01.

Conditions:
Congenital muscular dystrophy due to integrin alpha-7 deficiency. Also called: Congenital muscular dystrophy with integrin alpha-7 deficiency; Muscular dystrophy, congenital, due to ITGA7 deficiency; MYOPATHY, CONGENITAL, DUE TO INTEGRIN ALPHA-7 DEFICIENCY. Identifiers: Orphanet 34520, MedGen C2750786, MONDO:0013177, OMIM 613204.

Allele frequency attached by ClinVar (database versions not stated): gnomAD 0.00002 and 0.00003; gnomAD exomes 0.00004 and 0.00010; TOPMed 0.00011; ExAC 0.00012.
gnomAD v4.1: 67 of 1,614,104 alleles (0.0042%); highest among the groups gnomAD compares: Middle Eastern, 0.066%; no homozygotes.

Submissions (2):

CeGaT Center for Human Genetics Tuebingen
Classification: Likely benign. Last evaluated: 2026-07-01. Review status: criteria provided, single submitter. Criteria: CeGaT Center For Human Genetics Tuebingen Variant Classification Criteria Version 2. Collection method: clinical testing. Allele origin: germline. Affected: yes. Observed: 1 variant allele.
Comment: ITGA7: BP4, BP7

Labcorp Genetics (formerly Invitae), Labcorp
Classification: Likely benign for Congenital muscular dystrophy due to integrin alpha-7 deficiency. Last evaluated: 2025-08-10. Review status: criteria provided, single submitter. Criteria: Invitae Variant Classification Sherloc (09022015). Collection method: clinical testing. Allele origin: germline.